The following is an entry in ClinVar:

ClinVar aggregate classification (germline): Uncertain significance (1 of 4 stars; one submission).

Allele frequency attached by ClinVar (database versions not stated): gnomAD exomes 0.00001 and 0.00003; gnomAD 0.00002; ExAC 0.00003; TOPMed 0.00005.
gnomAD v4.1: 24 of 1,612,660 alleles (0.0015%); highest among the groups gnomAD compares: African/African-American, 0.0067%; 1 homozygote.

Submission:

Labcorp Genetics (formerly Invitae), Labcorp
Classification: Uncertain significance. Last evaluated: 2021-08-26. Review status: criteria provided, single submitter. Criteria: Invitae Variant Classification Sherloc (09022015). Collection method: clinical testing. Allele origin: germline.
Comment: This sequence change replaces arginine with histidine at codon 172 of the CDT1 protein (p.Arg172His). The arginine residue is highly conserved and there is a small physicochemical difference between arginine and histidine. This variant is present in population databases (rs763410679, ExAC 0.02%). This variant has not been reported in the literature in individuals affected with CDT1-related conditions. Algorithms developed to predict the effect of missense changes on protein structure and function (SIFT, PolyPhen-2, Align-GVGD) all suggest that this variant is likely to be disruptive. In summary, the available evidence is currently insufficient to determine the role of this variant in disease. Therefore, it has been classified as a Variant of Uncertain Significance.

NM_030928.4(CDT1):c.515G>A (p.Arg172His)

Gene: CDT1 (chromatin licensing and DNA replication factor 1; plus strand). Cytogenetic location: 16q24.3.
Variant type: single nucleotide variant.
Coding change: c.515G>A on transcript NM_030928.4 (MANE Select); coding-DNA position 515, G replaced by A.
Protein change: p.Arg172His; replaces arginine 172 with histidine.
Molecular consequence: missense variant.
Genome position (GRCh38, 1-based): chr16:88,805,466, G>A. VCF-style: chr16-88805466-G-A. GRCh37 (hg19) VCF-style: chr16-88871874-G-A.
Other names: short protein forms R172H.
Identifiers: ClinVar variation 857154 (VCV000857154.7), dbSNP rs763410679, ClinGen allele CA8233685.
Genomic context (GRCh38, chr16:88,805,466, plus strand): 5'-ACTGCTTCTCATGAGGCTCCTCCCTCCCTGACAGTGGCGAGAAGGCGCCCGCCTACCAGC[G>A]CTTCCATGCCCTGGCCCAGCCCGGCCTGCCGGGACTCGTGCTGCCCTACAAGTACCAGGT-3'
Protein context (NP_112190.2, residues 162-182): PCGEKAPAYQ[Arg172His]FHALAQPGLP